The following is an entry in ClinVar:

NM_000368.5(TSC1):c.2209-12G>A

Gene: TSC1 (TSC complex subunit 1; minus strand). Cytogenetic location: 9q34.13.
Variant type: single nucleotide variant.
Coding change: c.2209-12G>A on transcript NM_000368.5 (MANE Select); 12 bases into the intron before coding-DNA position 2209, G replaced by A.
Molecular consequence: intron variant.
Genome position (GRCh38, 1-based): chr9:132,902,799, C>T on the plus strand (G>A on the coding strand, the complement: TSC1 is on the minus strand). VCF-style: chr9-132902799-C-T. GRCh37 (hg19) VCF-style: chr9-135778186-C-T.
Other names: c.1843-12G>A (NM_001406620.1, NM_001406625.1, NM_001406621.1 and 2 more transcripts); c.1846-12G>A (NM_001406618.1, NM_001406617.1, NM_001406619.1 and 5 more transcripts); c.2053-12G>A (NM_001406613.1, NM_001406612.1, NM_001406611.1); c.2056-12G>A (NM_001406610.1, NM_001162427.2); c.1255-12G>A (NM_001406627.1, NM_001406628.1); c.1156-12G>A (NM_001406629.1, NM_001406630.1); c.2191-12G>A (NM_001406603.1, NM_001406604.1); c.2206-12G>A (NM_001406609.1, NM_001406597.1, NM_001406600.1 and 4 more transcripts); and 3 more.
Identifiers: ClinVar variation 4729724 (VCV004729724.2).

ClinVar aggregate classification (germline): Conflicting classifications of pathogenicity. Review status: criteria provided, conflicting classifications (1 of 4 stars). 2 submissions from 2 submitters: Likely pathogenic (1); Uncertain significance (1). Last evaluated 2026-03-11.

Conditions:
Tuberous sclerosis 1 (TSC1). Identifiers: Orphanet 805, MedGen C1854465, MONDO:0008612, OMIM 191100.

Submissions (2):

GeneDx
Classification: Likely pathogenic. Last evaluated: 2026-03-11. Review status: criteria provided, single submitter. Criteria: GeneDx Variant Classification Process June 2021. Collection method: clinical testing. Allele origin: germline.
Comment: Not observed at significant frequency in large population cohorts (gnomAD); In silico analysis supports a deleterious effect on splicing; Has not been previously published as pathogenic or benign to our knowledge

Labcorp Genetics (formerly Invitae), Labcorp
Classification: Uncertain significance for Tuberous sclerosis 1. Last evaluated: 2025-10-23. Review status: criteria provided, single submitter. Criteria: Invitae Variant Classification Sherloc (09022015). Collection method: clinical testing. Allele origin: germline.
Comment: This sequence change falls in intron 17 of the TSC1 gene. It does not directly change the encoded amino acid sequence of the TSC1 protein. This variant is not present in population databases (gnomAD no frequency). This variant has not been reported in the literature in individuals affected with TSC1-related conditions. Algorithms developed to predict the effect of sequence changes on RNA splicing suggest that this variant may disrupt the consensus splice site. In summary, the available evidence is currently insufficient to determine the role of this variant in disease. Therefore, it has been classified as a Variant of Uncertain Significance.